The following is an entry in ClinVar:

NM_022114.4(PRDM16):c.403G>C (p.Val135Leu)

Gene: PRDM16 (PR/SET domain 16; plus strand). Cytogenetic location: 1p36.32.
Variant type: single nucleotide variant.
Coding change: c.403G>C on transcript NM_022114.4 (MANE Select); coding-DNA position 403, G replaced by C.
Protein change: p.Val135Leu; replaces valine 135 with leucine.
Molecular consequence: missense variant.
Genome position (GRCh38, 1-based): chr1:3,244,102, G>C. VCF-style: chr1-3244102-G-C. GRCh37 (hg19) VCF-style: chr1-3160666-G-C.
Other names: c.403G>C, p.Val135Leu (NM_199454.3); short protein forms V135L.
Identifiers: ClinVar variation 1315154 (VCV001315154.2), dbSNP rs372159539, ClinGen allele CA17302425.

ClinVar aggregate classification (germline): Uncertain significance (1 of 4 stars; one submission).

gnomAD v4.1: 5 of 1,613,972 alleles (0.00031%); highest among the groups gnomAD compares: Non-Finnish European, 0.00042%; no homozygotes.

Submission:

GeneDx
Classification: Uncertain significance. Last evaluated: 2020-01-31. Review status: criteria provided, single submitter. Criteria: GeneDx Variant Classification Process June 2021. Collection method: clinical testing. Allele origin: germline. Affected: yes.
Comment: Has not been previously published as pathogenic or benign to our knowledge; Not observed in large population cohorts (Lek et al., 2016); In silico analysis supports that this missense variant does not alter protein structure/function